The following is an entry in ClinVar:

ClinVar aggregate classification (germline): Pathogenic. Review status: criteria provided, multiple submitters, no conflicts (2 of 4 stars). 12 submissions from 12 submitters: Pathogenic (11). 1 of the submissions does not count toward it. Last evaluated 2026-01-19.

Conditions:
PALB2-related cancer predisposition. Identifiers: MedGen CN377761, MONDO:0700272.
PALB2-related disorder. Also called: PALB2-related disorders; PALB2-related condition.
Hereditary cancer-predisposing syndrome. Also called: Neoplastic Syndromes, Hereditary; Tumor predisposition; Hereditary Cancer Syndrome; Hereditary neoplastic syndrome. Identifiers: Orphanet 140162, MedGen C0027672, MeSH D009386, MONDO:0015356.
Breast and/or ovarian cancer. Identifiers: MedGen CN221562.
Familial cancer of breast. Also called: hereditary breast carcinoma; BREAST CANCER, FAMILIAL; Hereditary breast cancer. Identifiers: Orphanet 227535, MedGen C0346153, MONDO:0016419, OMIM 114480. Disease mechanism: loss of function.

Submissions (12):

Labcorp Genetics (formerly Invitae), Labcorp
Classification: Pathogenic for Familial cancer of breast. Last evaluated: 2026-01-19. Review status: criteria provided, single submitter. Criteria: Invitae Variant Classification Sherloc (09022015). Collection method: clinical testing. Allele origin: germline.
Comment: This sequence change creates a premature translational stop signal (p.Phe776Ilefs*26) in the PALB2 gene. It is expected to result in an absent or disrupted protein product. Loss-of-function variants in PALB2 are known to be pathogenic (PMID: 17200668, 17200671, 17200672, 24136930, 25099575). This variant is not present in population databases (gnomAD no frequency). This premature translational stop signal has been observed in individual(s) with hereditary breast and/or ovarian cancer (PMID: 24549055, 25575445). ClinVar contains an entry for this variant (Variation ID: 232803). For these reasons, this variant has been classified as Pathogenic.

PreventionGenetics, part of Exact Sciences
Classification: Pathogenic for PALB2-related condition. Last evaluated: 2025-06-24. Review status: criteria provided, single submitter. Criteria: ACMG Guidelines, 2015. Collection method: clinical testing. Allele origin: germline.
Comment: The PALB2 c.2325dupA variant is predicted to result in a frameshift and premature protein termination (p.Phe776Ilefs*26). This variant has been reported in individuals with hereditary breast and ovarian cancer syndrome (Table 4, Castéra et al. 2014. PubMed ID: 24549055; Table 1, Kotsopoulos et al. 2017. PubMed ID: 27631815; Table 1, Nguyen-Dumont et al. 2015. PubMed ID: 25575445). This variant has not been reported in a large population database, indicating this variant is rare. This variant is interpreted as pathogenic in ClinVar. Frameshift variants in PALB2 are expected to be pathogenic. This variant is interpreted as pathogenic.

Ambry Genetics
Classification: Pathogenic for Hereditary cancer-predisposing syndrome. Last evaluated: 2024-07-03. Review status: criteria provided, single submitter. Criteria: Ambry Variant Classification Scheme 2023. Collection method: clinical testing. Allele origin: germline.
Comment: The c.2325dupA pathogenic mutation, located in coding exon 5 of the PALB2 gene, results from a duplication of A at nucleotide position 2325, causing a translational frameshift with a predicted alternate stop codon (p.F776Ifs*26). This alteration has been described in individuals with hereditary breast cancer and ovarian cancer (Cast&eacute;ra L et al. Eur. J. Hum. Genet. 2014 Nov;22(11):1305-13; Nguyen-Dumont T et al. Breast Cancer Res. Treat. 2015 Jan;149(2):547-54; Kotsopoulos J. Fam. Cancer 2017 01;16(1):29-34; Girard E et al. Int J Cancer. 2019 Apr 15;144(8):1962-1974). Of note, this mutation is also designated as c.2325_2326insA in published literature. In addition to the clinical data presented in the literature, this alteration is expected to result in loss of function by premature protein truncation or nonsense-mediated mRNA decay. As such, this alteration is interpreted as a disease-causing mutation.

Department of Pathology and Laboratory Medicine, Sinai Health System
Classification: Pathogenic for PALB2-related cancer predisposition. Last evaluated: 2024-03-26. Review status: criteria provided, single submitter. Criteria: ACMG Guidelines, 2015. Collection method: clinical testing. Allele origin: germline. Affected: no.

GeneDx
Classification: Pathogenic. Last evaluated: 2023-09-28. Review status: criteria provided, single submitter. Criteria: GeneDx Variant Classification Process June 2021. Collection method: clinical testing. Allele origin: germline. Affected: yes.
Comment: Frameshift variant predicted to result in protein truncation or nonsense mediated decay in a gene for which loss-of-function is a known mechanism of disease; Truncating variants in this gene are considered pathogenic by a well-established clinical consortium and/or database; Not observed at significant frequency in large population cohorts (gnomAD); This variant is associated with the following publications: (PMID: 25575445, 24549055, 27631815, 24870022, 30772928, 30322717, 28779002, 32546565, 30303537, 33804961, 34113003)

Myriad Genetics, Inc.
Classification: Pathogenic for Familial cancer of breast. Last evaluated: 2023-09-12. Review status: criteria provided, single submitter. Criteria: Myriad Autosomal Dominant, Autosomal Recessive and X-Linked Classification Criteria (2023). Collection method: clinical testing. Allele origin: unknown.
Comment: This variant is considered pathogenic. This variant creates a frameshift predicted to result in premature protein truncation.

Baylor Genetics
Classification: Pathogenic for Familial cancer of breast. Last evaluated: 2023-07-24. Review status: criteria provided, single submitter. Criteria: ACMG Guidelines, 2015. Collection method: clinical testing. Allele origin: unknown.

Color Diagnostics, LLC DBA Color Health
Classification: Pathogenic for Hereditary cancer-predisposing syndrome. Last evaluated: 2022-12-14. Review status: criteria provided, single submitter. Criteria: ACMG Guidelines, 2015. Collection method: clinical testing. Allele origin: germline.
Comment: This variant inserts 1 nucleotide in exon 5 of the PALB2 gene, creating a frameshift and premature translation stop signal. This variant is expected to result in an absent or non-functional protein product. This variant has been reported in individuals affected with breast and/or ovarian cancer (PMID: 24549055, 25575445, 27631815, 34113003). This variant also has been detected in a breast cancer case-control meta-analysis in 0/60463 cases and 1/53461 unaffected individuals (PMID: 33471991; Leiden Open Variation Database DB-ID PALB2_010234). This variant has not been identified in the general population by the Genome Aggregation Database (gnomAD). Loss of PALB2 function is a known mechanism of disease. Based on the available evidence, this variant is classified as Pathogenic.

CHEO Genetics Diagnostic Laboratory, Children's Hospital of Eastern Ontario
Classification: Pathogenic for Breast and/or ovarian cancer. Last evaluated: 2021-05-10. Review status: criteria provided, single submitter. Criteria: ACMG Guidelines, 2015. Collection method: clinical testing. Allele origin: germline.

Genetics and Molecular Pathology, SA Pathology
Classification: Pathogenic for Familial cancer of breast. Last evaluated: 2021-03-22. Review status: criteria provided, single submitter. Criteria: ACMG Guidelines, 2015. Collection method: clinical testing. Allele origin: germline. Affected: yes.

Quest Diagnostics Nichols Institute San Juan Capistrano
Classification: Pathogenic. Last evaluated: 2017-03-01. Review status: criteria provided, single submitter. Criteria: Quest Diagnostics criteria. Collection method: clinical testing. Allele origin: germline.

Leiden Open Variation Database
Classification: Pathogenic for Familial cancer of breast. Last evaluated: 2019-05-13. Review status: no assertion criteria provided. Collection method: curation. Allele origin: germline. Affected: yes. Not counted in ClinVar's aggregate classification.
Comment: Curators: Marc Tischkowitz, Arleen D. Auerbach. Submitter to LOVD: Marc Tischkowitz.

Literature cited by the submitters: PubMed 17200668 (cited by Labcorp Genetics (formerly Invitae), Labcorp); PubMed 17200671 (cited by Labcorp Genetics (formerly Invitae), Labcorp); PubMed 17200672 (cited by Labcorp Genetics (formerly Invitae), Labcorp); PubMed 24136930 (cited by Labcorp Genetics (formerly Invitae), Labcorp); PubMed 25099575 (cited by Labcorp Genetics (formerly Invitae), Labcorp); PubMed 24549055 (cited by 6 submitters); PubMed 25575445 (cited by 5 submitters); PubMed 27631815 (cited by Ambry Genetics and Color Diagnostics, LLC DBA Color Health); PubMed 30303537 (cited by Ambry Genetics); PubMed 33471991 (cited by Color Diagnostics, LLC DBA Color Health); PubMed 34113003 (cited by Color Diagnostics, LLC DBA Color Health); PubMed 24870022 (cited by Quest Diagnostics Nichols Institute San Juan Capistrano).

NM_024675.4(PALB2):c.2325dup (p.Phe776fs)

Gene: PALB2 (partner and localizer of BRCA2; minus strand). Cytogenetic location: 16p12.2.
Variant type: Duplication.
Coding change: c.2325dup on transcript NM_024675.4 (MANE Select); coding-DNA position 2325, one base duplicated (A; older notation c.2325dupA).
Protein change: p.Phe776fs; shifts the reading frame from phenylalanine 776.
Molecular consequence: frameshift variant.
Genome position (GRCh38, 1-based): chr16:23,629,829, T duplicated on the plus strand (A on the coding strand, the reverse complement: PALB2 is on the minus strand); the first of 2 consecutive T bases (chr16:23,629,829-23,629,830); duplicating either gives the same sequence. VCF-style (leftmost placement, unchanged base first): chr16-23629828-A-AT. GRCh37 (hg19) VCF-style: chr16-23641149-A-AT.
Other names: c.2325dupA (NM_024675.3); short protein forms F776fs.
Identifiers: ClinVar variation 232803 (VCV000232803.37), dbSNP rs876659997, ClinGen allele CA10579974.